The following is an entry in ClinVar:

NM_032119.4(ADGRV1):c.7150C>G (p.Arg2384Gly)

Gene: ADGRV1 (adhesion G protein-coupled receptor V1; plus strand). Cytogenetic location: 5q14.3.
Variant type: single nucleotide variant.
Coding change: c.7150C>G on transcript NM_032119.4 (MANE Select); coding-DNA position 7150, C replaced by G.
Protein change: p.Arg2384Gly; replaces arginine 2384 with glycine.
Molecular consequence: missense variant. On other transcripts: non-coding transcript variant (1).
Genome position (GRCh38, 1-based): chr5:90,693,906, C>G. VCF-style: chr5-90693906-C-G. GRCh37 (hg19) VCF-style: chr5-89989723-C-G.
Other names: short protein forms R2384G.
Identifiers: ClinVar variation 865791 (VCV000865791.9), dbSNP rs377475657, ClinGen allele CA360373703.
Genomic context (GRCh38, chr5:90,693,906, plus strand): 5'-TTTGAGTGCTTAACCTGTCTTTTAATTGTCACTCCACATTTTAGCGGAGGGCACTTTGGT[C>G]GGCTGTTGTTGTTCTACAGTACTTCCGACATTGATGTAGTGGCTCTGGCAATGGAGGAAG-3'
Protein context (NP_115495.3, residues 2374-2394): TVRRSGGHFG[Arg2384Gly]LLLFYSTSDI

ClinVar aggregate classification (germline): Uncertain significance. Review status: criteria provided, multiple submitters, no conflicts (2 of 4 stars). 3 submissions from 3 submitters: Uncertain significance (3). Last evaluated 2025-03-17.

Conditions:
ADGRV1-related disorder. Also called: ADGRV1-related condition; ADGRV1-related disorders.

gnomAD v4.1: 3 of 1,554,928 alleles (0.00019%); highest among the groups gnomAD compares: Non-Finnish European, 0.00026%; no homozygotes.

Submissions (3):

Labcorp Genetics (formerly Invitae), Labcorp
Classification: Uncertain significance. Last evaluated: 2025-03-17. Review status: criteria provided, single submitter. Criteria: Invitae Variant Classification Sherloc (09022015). Collection method: clinical testing. Allele origin: germline.
Comment: This sequence change replaces arginine, which is basic and polar, with glycine, which is neutral and non-polar, at codon 2384 of the ADGRV1 protein (p.Arg2384Gly). This variant is present in population databases (no rsID available, gnomAD 0.002%). This variant has not been reported in the literature in individuals affected with ADGRV1-related conditions. ClinVar contains an entry for this variant (Variation ID: 865791). Invitae Evidence Modeling of protein sequence and biophysical properties (such as structural, functional, and spatial information, amino acid conservation, physicochemical variation, residue mobility, and thermodynamic stability) indicates that this missense variant is not expected to disrupt ADGRV1 protein function with a negative predictive value of 95%. Algorithms developed to predict the effect of sequence changes on RNA splicing suggest that this variant may disrupt the consensus splice site. In summary, the available evidence is currently insufficient to determine the role of this variant in disease. Therefore, it has been classified as a Variant of Uncertain Significance.

PreventionGenetics, part of Exact Sciences
Classification: Uncertain significance for ADGRV1-related condition. Last evaluated: 2025-02-03. Review status: criteria provided, single submitter. Criteria: ACMG Guidelines, 2015. Collection method: clinical testing. Allele origin: germline.
Comment: The ADGRV1 c.7150C>G variant is predicted to result in the amino acid substitution p.Arg2384Gly. To our knowledge, this variant has not been reported in the literature. This variant is reported in 0.0018% of alleles in individuals of European (Non-Finnish) descent in gnomAD. At this time, the clinical significance of this variant is uncertain due to the absence of conclusive functional and genetic evidence.

Blueprint Genetics
Classification: Uncertain significance. Last evaluated: 2018-10-15. Review status: criteria provided, single submitter. Criteria: ACMG Guidelines, 2015. Collection method: clinical testing. Allele origin: germline.